The following is an entry in ClinVar:

ClinVar aggregate classification (germline): Uncertain significance (1 of 4 stars; one submission).

Conditions:
DICER1-related tumor predisposition. Also called: DICER1-related pleuropulmonary blastoma cancer predisposition syndrome; DICER1 syndrome. Identifiers: Orphanet 284343, MedGen C3839822, MONDO:0100216.

Submission:

Labcorp Genetics (formerly Invitae), Labcorp
Classification: Uncertain significance for DICER1-related tumor predisposition. Last evaluated: 2025-01-12. Review status: criteria provided, single submitter. Criteria: Invitae Variant Classification Sherloc (09022015). Collection method: clinical testing. Allele origin: germline.
Comment: This sequence change falls in intron 19 of the DICER1 gene. It does not directly change the encoded amino acid sequence of the DICER1 protein. This variant is not present in population databases (gnomAD no frequency). This variant has not been reported in the literature in individuals affected with DICER1-related conditions. ClinVar contains an entry for this variant (Variation ID: 543633). Algorithms developed to predict the effect of sequence changes on RNA splicing suggest that this variant may disrupt the consensus splice site. In summary, the available evidence is currently insufficient to determine the role of this variant in disease. Therefore, it has been classified as a Variant of Uncertain Significance.

NM_177438.3(DICER1):c.3094-5T>G

Gene: DICER1 (dicer 1, ribonuclease III; minus strand). Cytogenetic location: 14q32.13.
Variant type: single nucleotide variant.
Coding change: c.3094-5T>G on transcript NM_177438.3 (MANE Select); 5 bases into the intron before coding-DNA position 3094, T replaced by G.
Molecular consequence: intron variant.
Genome position (GRCh38, 1-based): chr14:95,105,251, A>C on the plus strand (T>G on the coding strand, the complement: DICER1 is on the minus strand). VCF-style: chr14-95105251-A-C. GRCh37 (hg19) VCF-style: chr14-95571588-A-C.
Other names: c.3094-5T>G (NM_001271282.3, NM_001195573.1, NM_001291628.2 and 1 more transcripts).
Identifiers: ClinVar variation 543633 (VCV000543633.10), dbSNP rs1555370056, ClinGen allele CA658798252.